The following is an entry in ClinVar:

NM_001358921.2(COQ2):c.420+2T>A

Gene: COQ2 (coenzyme Q2, polyprenyltransferase; minus strand). Cytogenetic location: 4q21.23.
Variant type: single nucleotide variant.
Coding change: c.420+2T>A on transcript NM_001358921.2 (MANE Select); the canonical splice donor site of the intron after coding-DNA position 420, T replaced by A.
Molecular consequence: splice donor variant.
Genome position (GRCh38, 1-based): chr4:83,278,946, A>T on the plus strand (T>A on the coding strand, the complement: COQ2 is on the minus strand). VCF-style: chr4-83278946-A-T. GRCh37 (hg19) VCF-style: chr4-84200099-A-T.
Other names: c.570+2T>A (NM_015697.9).
Identifiers: ClinVar variation 4732079 (VCV004732079.1), dbSNP rs2126175345.
Genomic context (GRCh38, chr4:83,278,946, plus strand): 5'-ACCACTATGTTATTCTGCAGAATTGAGAAGAGCCTCTCTATTCCTTTTCAGGATGAAATT[A>T]CCTTTTTATCATAGTCCTGGTCCCACATGTCATTAATAGTACAGCCTGCTCCACGCATCA-3'

ClinVar aggregate classification (germline): Likely pathogenic (1 of 4 stars; one submission).

Submission:

Labcorp Genetics (formerly Invitae), Labcorp
Classification: Likely pathogenic. Last evaluated: 2025-11-27. Review status: criteria provided, single submitter. Criteria: Invitae Variant Classification Sherloc (09022015). Collection method: clinical testing. Allele origin: germline.
Comment: This sequence change affects a donor splice site in intron 2 of the COQ2 gene. It is expected to disrupt RNA splicing. Variants that disrupt the donor or acceptor splice site typically lead to a loss of protein function (PMID: 16199547), and loss-of-function variants in COQ2 are known to be pathogenic (PMID: 16400613, 17374725). This variant is not present in population databases (gnomAD no frequency). This variant has not been reported in the literature in individuals affected with COQ2-related conditions. Algorithms developed to predict the effect of sequence changes on RNA splicing suggest that this variant may disrupt the consensus splice site. In summary, the currently available evidence indicates that the variant is pathogenic, but additional data are needed to prove that conclusively. Therefore, this variant has been classified as Likely Pathogenic.

Literature cited by the submitters: PubMed 16199547; PubMed 16400613; PubMed 17374725.